The following is an entry in ClinVar:

ClinVar aggregate classification (germline): Benign/Likely benign. Review status: criteria provided, multiple submitters, no conflicts (2 of 4 stars). 7 submissions from 7 submitters: Benign (1); Likely benign (5). 1 of the submissions does not count toward it. Last evaluated 2026-06-01.

Conditions:
CACNA1E-related disorder. Also called: CACNA1E-related condition.
Developmental and epileptic encephalopathy, 69. Also called: EPILEPTIC ENCEPHALOPATHY, EARLY INFANTILE, 69. Identifiers: MedGen C4748988, MONDO:0032657, OMIM 618285.
Inborn genetic diseases. Identifiers: MedGen C0950123, MeSH D030342.

Allele frequency attached by ClinVar (database versions not stated): ESP Exome Variant Server 0.00032; gnomAD exomes 0.00042 and 0.00081; gnomAD 0.00044 and 0.00045; ExAC 0.00046; TOPMed 0.00062.
gnomAD v4.1: 1,237 of 1,613,648 alleles (0.077%); highest among the groups gnomAD compares: Non-Finnish European, 0.097%; no homozygotes.

Submissions (7):

CeGaT Center for Human Genetics Tuebingen
Classification: Likely benign. Last evaluated: 2026-06-01. Review status: criteria provided, single submitter. Criteria: CeGaT Center For Human Genetics Tuebingen Variant Classification Criteria Version 2. Collection method: clinical testing. Allele origin: germline. Affected: yes. Observed: 2 variant alleles.
Comment: CACNA1E: BS1

Labcorp Genetics (formerly Invitae), Labcorp
Classification: Likely benign. Last evaluated: 2026-02-02. Review status: criteria provided, single submitter. Criteria: Invitae Variant Classification Sherloc (09022015). Collection method: clinical testing. Allele origin: germline.

Blueprint Genetics
Classification: Likely benign. Last evaluated: 2024-06-10. Review status: criteria provided, single submitter. Criteria: ACMG Guidelines, 2015. Collection method: clinical testing. Allele origin: germline.

Genome-Nilou Lab
Classification: Likely benign for Developmental and epileptic encephalopathy, 69. Last evaluated: 2023-04-11. Review status: criteria provided, single submitter. Criteria: ACMG Guidelines, 2015. Collection method: clinical testing. Allele origin: germline. Affected: no.

Ambry Genetics
Classification: Likely benign for Inborn genetic diseases. Last evaluated: 2021-09-15. Review status: criteria provided, single submitter. Criteria: Ambry Variant Classification Scheme 2023. Collection method: clinical testing. Allele origin: germline.

GeneDx
Classification: Benign. Last evaluated: 2021-05-19. Review status: criteria provided, single submitter. Criteria: GeneDx Variant Classification Process June 2021. Collection method: clinical testing. Allele origin: germline. Affected: yes.

PreventionGenetics, part of Exact Sciences
Classification: Likely benign for CACNA1E-related condition. Last evaluated: 2022-03-18. Review status: no assertion criteria provided. Collection method: clinical testing. Allele origin: germline. Not counted in ClinVar's aggregate classification.
Comment: This variant is classified as likely benign based on ACMG/AMP sequence variant interpretation guidelines (Richards et al. 2015 PMID: 25741868, with internal and published modifications).

NM_001205293.3(CACNA1E):c.6536C>T (p.Ala2179Val)

Gene: CACNA1E (calcium voltage-gated channel subunit alpha1 E; plus strand). Cytogenetic location: 1q25.3.
Variant type: single nucleotide variant.
Coding change: c.6536C>T on transcript NM_001205293.3 (MANE Select); coding-DNA position 6536, C replaced by T.
Protein change: p.Ala2179Val; replaces alanine 2179 with valine.
Molecular consequence: missense variant.
Genome position (GRCh38, 1-based): chr1:181,798,428, C>T. VCF-style: chr1-181798428-C-T. GRCh37 (hg19) VCF-style: chr1-181767564-C-T.
Other names: c.6407C>T, p.Ala2136Val (NM_000721.4); c.6350C>T, p.Ala2117Val (NM_001205294.2); c.6536C>T (NM_001205293.1); short protein forms A2117V, A2136V, A2179V.
Identifiers: ClinVar variation 1228754 (VCV001228754.37), dbSNP rs199885694, ClinGen allele CA1276438.
Genomic context (GRCh38, chr1:181,798,428, plus strand): 5'-TCCCACCCGTCCCGCCAAAGCCCCGGCCCCTCCTTTCCTACAGCTCCCTGATTCGACACG[C>T]GGGCAGCATCTCTCCACCTGCTGATGGAAGCGAGGAGGGCTCCCCGCTGACCTCCCAAGC-3'
Protein context (NP_001192222.1, residues 2169-2189): LLSYSSLIRH[Ala2179Val]GSISPPADGS